The following is an entry in ClinVar:

NM_014053.4(FLVCR1):c.574T>C (p.Cys192Arg)

Gene: FLVCR1 (FLVCR choline and heme transporter 1; plus strand). Cytogenetic location: 1q32.3.
Variant type: single nucleotide variant.
Coding change: c.574T>C on transcript NM_014053.4 (MANE Select); coding-DNA position 574, T replaced by C.
Protein change: p.Cys192Arg; replaces cysteine 192 with arginine.
Molecular consequence: missense variant.
Genome position (GRCh38, 1-based): chr1:212,859,026, T>C. VCF-style: chr1-212859026-T-C. GRCh37 (hg19) VCF-style: chr1-213032368-T-C.
Other names: short protein forms C192R.
Identifiers: ClinVar variation 18420 (VCV000018420.15), dbSNP rs267606821, ClinGen allele CA115242.

ClinVar aggregate classification (germline): Pathogenic/Likely pathogenic. Review status: criteria provided, multiple submitters, no conflicts (2 of 4 stars). 9 submissions from 9 submitters: Pathogenic (7); Likely pathogenic (1). 1 of the submissions does not count toward it. Last evaluated 2026-03-26.

Conditions:
FLVCR1-related disorders.
FLVCR1-related disorder. Also called: FLVCR1-related condition.
Inborn genetic diseases. Identifiers: MedGen C0950123, MeSH D030342.
Posterior column ataxia-retinitis pigmentosa syndrome (RETSNS). Also called: RETINOPATHY-SENSORY NEUROPATHY SYNDROME. Identifiers: Orphanet 88628, MedGen C1836916, MONDO:0012177, OMIM 609033.

Allele frequency attached by ClinVar (database versions not stated): ExAC 0.00001; gnomAD exomes 0.00001 and 0.00002; TOPMed 0.00001; gnomAD 0.00003.
gnomAD v4.1: 17 of 1,612,070 alleles (0.0011%); highest among the groups gnomAD compares: Admixed American, 0.0017%; no homozygotes.

Submissions (9):

PreventionGenetics, part of Exact Sciences
Classification: Pathogenic for FLVCR1-related condition. Last evaluated: 2026-03-26. Review status: criteria provided, single submitter. Criteria: ACMG Guidelines, 2015. Collection method: clinical testing. Allele origin: germline.
Comment: The FLVCR1 c.574T>C variant is predicted to result in the amino acid substitution p.Cys192Arg. This variant has been reported in the homozygous and compound heterozygous states in individuals with posterior column ataxia and retinitis pigmentosa (see, for example, Rajadhyaksha et al. 2010. PubMed ID: 21070897; Chiabrando et al. 2016. PubMed ID: 27923065). This variant is reported in 0.0035% of alleles in individuals of European (Non-Finnish) descent in gnomAD. This variant is interpreted as pathogenic.

Blueprint Genetics
Classification: Pathogenic for FLVCR1-related disorders. Last evaluated: 2024-11-26. Review status: criteria provided, single submitter. Criteria: ACMG Guidelines, 2015. Collection method: clinical testing. Allele origin: germline. Affected: yes. Observed: 5 variant alleles.

Labcorp Genetics (formerly Invitae), Labcorp
Classification: Pathogenic. Last evaluated: 2024-04-23. Review status: criteria provided, single submitter. Criteria: Invitae Variant Classification Sherloc (09022015). Collection method: clinical testing. Allele origin: germline.
Comment: This sequence change replaces cysteine, which is neutral and slightly polar, with arginine, which is basic and polar, at codon 192 of the FLVCR1 protein (p.Cys192Arg). This variant is present in population databases (rs267606821, gnomAD 0.003%). This missense change has been observed in individual(s) with FLVCR1-related conditions (PMID: 21070897, 27923065; Invitae). In at least one individual the data is consistent with being in trans (on the opposite chromosome) from a pathogenic variant. ClinVar contains an entry for this variant (Variation ID: 18420). Advanced modeling of protein sequence and biophysical properties (such as structural, functional, and spatial information, amino acid conservation, physicochemical variation, residue mobility, and thermodynamic stability) performed at Invitae indicates that this missense variant is expected to disrupt FLVCR1 protein function with a positive predictive value of 80%. Experimental studies have shown that this missense change affects FLVCR1 function (PMID: 22483575). For these reasons, this variant has been classified as Pathogenic.

GeneDx
Classification: Pathogenic. Last evaluated: 2023-11-16. Review status: criteria provided, single submitter. Criteria: GeneDx Variant Classification Process June 2021. Collection method: clinical testing. Allele origin: germline. Affected: yes.
Comment: Published functional studies demonstrate the C192R variant reduced ability to export heme, increased heme toxicity, and reduced half life compared to wild type indicating instability of the C192R protein (PMID: 22483575); In silico analysis supports that this missense variant has a deleterious effect on protein structure/function; This variant is associated with the following publications: (PMID: 21267618, 28766925, 24628582, 23506900, 24782769, 27923065, 21070897, 29192808, 31964843, 32466579, 37469134, 36917984, 37808796, 22483575, Ha2023[preprint])

Revvity Omics, Revvity
Classification: Pathogenic for Posterior column ataxia-retinitis pigmentosa syndrome. Last evaluated: 2023-06-07. Review status: criteria provided, single submitter. Criteria: ACMG Guidelines, 2015. Collection method: clinical testing. Allele origin: germline.

Women's Health and Genetics/Laboratory Corporation of America, LabCorp
Classification: Pathogenic for Posterior column ataxia-retinitis pigmentosa syndrome. Last evaluated: 2022-08-25. Review status: criteria provided, single submitter. Criteria: LabCorp Variant Classification Summary - May 2015. Collection method: clinical testing. Allele origin: germline.
Comment: Variant summary: FLVCR1 c.574T>C (p.Cys192Arg) results in a non-conservative amino acid change located in the Major facilitator superfamily domain (IPR020846) of the encoded protein sequence. Five of five in-silico tools predict a damaging effect of the variant on protein function. The variant allele was found at a frequency of 2e-05 in 250562 control chromosomes (gnomAD). c.574T>C has been reported in the literature as a biallelic genotype in individuals affected with Posterior Column Ataxia-Retinitis Pigmentosa Syndrome (Rajadhyaksha_2010, Chiabrando_2016). These data indicate that the variant is likely to be associated with disease. At least one publication reports in vitro experimental evidence evaluating an impact on protein function: the variant protein failed to traffick to the plasma membrane and cells expressing the variant had reduced heme-exporting capability, resulting in increased susceptibility to heme-toxicity (Yanatori_2012). One ClinVar submitter has assessed the variant since 2014: the variant was classified as likely pathogenic. Based on the evidence outlined above, the variant was classified as pathogenic.

Ambry Genetics
Classification: Pathogenic for Inborn genetic diseases. Last evaluated: 2022-07-08. Review status: criteria provided, single submitter. Criteria: Ambry Variant Classification Scheme 2023. Collection method: clinical testing. Allele origin: germline.
Comment: The c.574T>C (p.C192R) alteration is located in exon 1 (coding exon 1) of the FLVCR1 gene. This alteration results from a T to C substitution at nucleotide position 574, causing the cysteine (C) at amino acid position 192 to be replaced by an arginine (R). Based on data from gnomAD, the C allele has an overall frequency of <0.01% (5/250562) total alleles studied. The highest observed frequency was <0.01% (4/113176) of European (non-Finnish) alleles. This alteration has been detected in the homozygous state and as compound heterozygous in trans with another pathogenic FLVCR1 alteration in unrelated individuals with FLVCR1-related hereditary sensory and autonomic neuropathy (Rajadhyaksha ,2010; Chiabrando, 2016). In addition, this alteration has been found to segregate with FLVCR1-related hereditary sensory and autonomic neuropathy among multiple individuals in one family (Rajadhyaksha, 2010). This amino acid position is not well conserved in available vertebrate species. FLVCR1 p.C192R lacked heme export activity, elicited cellular damage by accumulated heme and was significantly more sensitive to heme toxicity compared to wild-type (Yanatori, 2012). This alteration is predicted to be deleterious by in silico analysis. Based on the available evidence, this alteration is classified as pathogenic.

Ocular Genomics Institute, Massachusetts Eye and Ear
Classification: Likely pathogenic for Posterior column ataxia-retinitis pigmentosa syndrome. Last evaluated: 2021-04-08. Review status: criteria provided, single submitter. Criteria: ACMG Guidelines, 2015. Collection method: research. Allele origin: germline. Affected: yes.
Comment: Through a review of available evidence we were able to apply the following criteria: PM2, PM3, PP1-S. Based on this evidence we have classified this variant as Likely Pathogenic.

OMIM
Classification: Pathogenic for RETINOPATHY-SENSORY NEUROPATHY SYNDROME. Last evaluated: 2010-11-12. Review status: no assertion criteria provided. Collection method: literature only. Allele origin: germline. Not counted in ClinVar's aggregate classification.

Literature cited by the submitters: PubMed 21070897 (cited by 5 submitters); PubMed 27923065 (cited by 4 submitters); PubMed 22483575 (cited by 3 submitters).